The following is an entry in ClinVar:

NM_000061.3(BTK):c.1632-2A>G

Gene: BTK (Bruton tyrosine kinase; minus strand). Cytogenetic location: Xq22.1.
Variant type: single nucleotide variant.
Coding change: c.1632-2A>G on transcript NM_000061.3 (MANE Select); the canonical splice acceptor site of the intron before coding-DNA position 1632, A replaced by G.
Molecular consequence: splice acceptor variant.
Genome position (GRCh38, 1-based): chrX:101,353,990, T>C on the plus strand (A>G on the coding strand, the complement: BTK is on the minus strand). VCF-style: chrX-101353990-T-C. GRCh37 (hg19) VCF-style: chrX-100608978-T-C.
Other names: c.1734-2A>G (NM_001287344.2); c.1104-2A>G (NM_001287345.2).
Identifiers: ClinVar variation 265455 (VCV000265455.4), dbSNP rs886039555, ClinGen allele CA10588732.
Genomic context (GRCh38, chrX:101,353,990, plus strand): 5'-ACCACCGGACTGGAAATTTGGAGCCTACTGAGCTTGTGTATTCATCATCCAGGACATACC[T>C]GCAAGGGATTCAGGACTTGTTGCATTAGGATTTGGAGGCTTGATATTTGCTTACGTTTTC-3'

ClinVar aggregate classification (germline): Pathogenic. Review status: criteria provided, multiple submitters, no conflicts (2 of 4 stars). 2 submissions from 2 submitters: Pathogenic (2). Last evaluated 2025-02-20.

Conditions:
X-linked agammaglobulinemia with growth hormone deficiency (IGHD3). Also called: ISOLATED GROWTH HORMONE DEFICIENCY, TYPE III, WITH AGAMMAGLOBULINEMIA; FLEISHER SYNDROME; HYPOGAMMAGLOBULINEMIA AND ISOLATED GROWTH HORMONE DEFICIENCY, X-LINKED; IGHD III; AGAMMAGLOBULINEMIA AND ISOLATED GROWTH HORMONE DEFICIENCY, X-LINKED; Isolated growth hormone deficiency type 3. Identifiers: Orphanet 231692, Orphanet 631, MedGen C0472813, MONDO:0010615, OMIM 307200.

Submissions (2):

Labcorp Genetics (formerly Invitae), Labcorp
Classification: Pathogenic for X-linked agammaglobulinemia with growth hormone deficiency. Last evaluated: 2025-02-20. Review status: criteria provided, single submitter. Criteria: Invitae Variant Classification Sherloc (09022015). Collection method: clinical testing. Allele origin: germline.
Comment: This sequence change affects an acceptor splice site in intron 16 of the BTK gene. It is expected to disrupt RNA splicing. Variants that disrupt the donor or acceptor splice site typically lead to a loss of protein function (PMID: 16199547), and loss-of-function variants in BTK are known to be pathogenic (PMID: 15661032, 16862044, 19419768). This variant is not present in population databases (gnomAD no frequency). Disruption of this splice site has been observed in individuals with agammaglobulinemia (PMID: 14974089; internal data). This variant is also known as IVS16-2A>G. ClinVar contains an entry for this variant (Variation ID: 265455). Algorithms developed to predict the effect of sequence changes on RNA splicing suggest that this variant may disrupt the consensus splice site. For these reasons, this variant has been classified as Pathogenic.

GeneDx
Classification: Pathogenic. Last evaluated: 2016-03-31. Review status: criteria provided, single submitter. Criteria: GeneDx Variant Classification (06012015). Collection method: clinical testing. Allele origin: germline. Affected: yes.
Comment: The c.1632-2 A>G splice site variant in the BTK gene has been previously reported in association with X-linked agammaglobulinemia (Fiorini et al., 2004). This pathogenic variant destroys the canonical splice acceptor site in intron 16, and is expected to cause abnormal gene splicing. The c.1632-2 A>G variant was not observed in approximately 6,500 individuals of European and African American ancestry in the NHLBI Exome Sequencing Project, indicating it is not a common benign variant in these populations.

Literature cited by the submitters: PubMed 16199547 (cited by Labcorp Genetics (formerly Invitae), Labcorp); PubMed 15661032 (cited by Labcorp Genetics (formerly Invitae), Labcorp); PubMed 16862044 (cited by Labcorp Genetics (formerly Invitae), Labcorp); PubMed 19419768 (cited by Labcorp Genetics (formerly Invitae), Labcorp); PubMed 14974089 (cited by Labcorp Genetics (formerly Invitae), Labcorp).